The following is an entry in ClinVar:

NM_005751.5(AKAP9):c.8104A>G (p.Lys2702Glu)

Gene: AKAP9 (A-kinase anchoring protein 9; plus strand). Cytogenetic location: 7q21.2.
Variant type: single nucleotide variant.
Coding change: c.8104A>G on transcript NM_005751.5 (MANE Select); coding-DNA position 8104, A replaced by G.
Protein change: p.Lys2702Glu; replaces lysine 2702 with glutamic acid.
Molecular consequence: missense variant.
Genome position (GRCh38, 1-based): chr7:92,082,606, A>G. VCF-style: chr7-92082606-A-G. GRCh37 (hg19) VCF-style: chr7-91711920-A-G.
Other names: c.2749A>G, p.Lys917Glu (NM_001379277.1); c.8080A>G, p.Lys2694Glu (NM_147185.3); short protein forms K2702E, K917E, K2694E.
Identifiers: ClinVar variation 4033788 (VCV004033788.1).

ClinVar aggregate classification (germline): Uncertain significance (1 of 4 stars; one submission).

Conditions:
Cardiovascular phenotype. Identifiers: MedGen CN230736.

Submission:

Ambry Genetics
Classification: Uncertain significance for Cardiovascular phenotype. Last evaluated: 2025-04-05. Review status: criteria provided, single submitter. Criteria: Ambry Variant Classification Scheme 2023. Collection method: clinical testing. Allele origin: germline.
Comment: The p.K2702E variant (also known as c.8104A>G), located in coding exon 32 of the AKAP9 gene, results from an A to G substitution at nucleotide position 8104. The lysine at codon 2702 is replaced by glutamic acid, an amino acid with similar properties. This amino acid position is conserved. In addition, this alteration is predicted to be tolerated by in silico analysis. Based on the available evidence, the clinical significance of this variant remains unclear.